The following is an entry in ClinVar:

ClinVar aggregate classification (germline): Pathogenic/Likely pathogenic. Review status: criteria provided, multiple submitters, no conflicts (2 of 4 stars). 3 submissions from 3 submitters: Pathogenic (1); Likely pathogenic (2). Last evaluated 2024-02-22.

Conditions:
Jeune thoracic dystrophy. Also called: Infantile thoracic dystrophy; Thoracic pelvic phalangeal dystrophy; Jeune's syndrome; Chondroectodermal dysplasia-like syndrome; Jeune syndrome; Short-rib thoracic dysplasia. Identifiers: Orphanet 474, MedGen C0265275, MONDO:0018770.
Nephronophthisis. Also called: Juvenile Nephronophthisis. Identifiers: Orphanet 655, MedGen C0687120, MONDO:0019005, HP:0000090.
Asphyxiating thoracic dystrophy 4 (SRTD4). Also called: SHORT-RIB THORACIC DYSPLASIA 4 WITH OR WITHOUT POLYDACTYLY; SHORT-RIB THORACIC DYSPLASIA 4. Identifiers: Orphanet 474, MedGen C3151185, MONDO:0013441, OMIM 613819.
Nephronophthisis 12 (NPHP12). Identifiers: Orphanet 655, MedGen C3151186, MONDO:0013442, OMIM 613820.
TTC21B-related disorder. Also called: TTC21B-related disorders; TTC21B-related condition.

Allele frequency attached by ClinVar (database versions not stated): gnomAD exomes 0.00004; ExAC 0.00006.
gnomAD v4.1: 21 of 1,613,728 alleles (0.0013%); highest among the groups gnomAD compares: South Asian, 0.0055%; no homozygotes.

Submissions (3):

Fulgent Genetics
Classification: Likely pathogenic for Asphyxiating thoracic dystrophy 4; Nephronophthisis 12. Last evaluated: 2024-02-22. Review status: criteria provided, single submitter. Criteria: ACMG Guidelines, 2015. Collection method: clinical testing. Allele origin: germline.

Labcorp Genetics (formerly Invitae), Labcorp
Classification: Pathogenic for Jeune thoracic dystrophy; Nephronophthisis. Last evaluated: 2022-09-26. Review status: criteria provided, single submitter. Criteria: Invitae Variant Classification Sherloc (09022015). Collection method: clinical testing. Allele origin: germline.
Comment: This sequence change creates a premature translational stop signal (p.Arg58*) in the TTC21B gene. It is expected to result in an absent or disrupted protein product. Loss-of-function variants in TTC21B are known to be pathogenic (PMID: 18327258, 21068128, 21258341, 23559409, 24876116, 25492405, 27491411, 29068549). This variant is present in population databases (rs771232897, gnomAD 0.01%). This variant has not been reported in the literature in individuals affected with TTC21B-related conditions. ClinVar contains an entry for this variant (Variation ID: 1451834). For these reasons, this variant has been classified as Pathogenic.

Blueprint Genetics
Classification: Likely pathogenic for TTC21B-related disorders. Last evaluated: 2018-10-11. Review status: criteria provided, single submitter. Criteria: ACMG Guidelines, 2015. Collection method: clinical testing. Allele origin: germline. Affected: yes. Observed: 2 variant alleles.

Literature cited by the submitters: PubMed 18327258 (cited by Labcorp Genetics (formerly Invitae), Labcorp); PubMed 21068128 (cited by Labcorp Genetics (formerly Invitae), Labcorp); PubMed 21258341 (cited by Labcorp Genetics (formerly Invitae), Labcorp); PubMed 23559409 (cited by Labcorp Genetics (formerly Invitae), Labcorp); PubMed 24876116 (cited by Labcorp Genetics (formerly Invitae), Labcorp); PubMed 25492405 (cited by Labcorp Genetics (formerly Invitae), Labcorp); PubMed 27491411 (cited by Labcorp Genetics (formerly Invitae), Labcorp); PubMed 29068549 (cited by Labcorp Genetics (formerly Invitae), Labcorp).

NM_024753.5(TTC21B):c.172C>T (p.Arg58Ter)

Gene: TTC21B (tetratricopeptide repeat domain 21B; minus strand). Cytogenetic location: 2q24.3.
Variant type: single nucleotide variant.
Coding change: c.172C>T on transcript NM_024753.5 (MANE Select); coding-DNA position 172, C replaced by T.
Protein change: p.Arg58Ter; replaces arginine 58 with a stop codon.
Molecular consequence: nonsense.
Genome position (GRCh38, 1-based): chr2:165,949,484, G>A on the plus strand (C>T on the coding strand, the complement: TTC21B is on the minus strand). VCF-style: chr2-165949484-G-A. GRCh37 (hg19) VCF-style: chr2-166805994-G-A.
Other names: short protein forms R58*.
Identifiers: ClinVar variation 1451834 (VCV001451834.8), dbSNP rs771232897, ClinGen allele CA1942528.
Genomic context (GRCh38, chr2:165,949,484, plus strand): 5'-TCAGTGCAAGTAGAGAACAAAGTGATACATCTTGTTTATTTTTAATAGCCTCAAATTCTC[G>A]AAGAGCTTCTTGAGTTTTACCTGAAAATCAAGATTATGATATGAAAAACTGTTCTTAGTG-3'